The following is an entry in ClinVar:

NM_182961.4(SYNE1):c.3844A>T (p.Thr1282Ser)

Gene: SYNE1 (spectrin repeat containing nuclear envelope protein 1; minus strand). Cytogenetic location: 6q25.2.
Variant type: single nucleotide variant.
Coding change: c.3844A>T on transcript NM_182961.4 (MANE Select); coding-DNA position 3844, A replaced by T.
Protein change: p.Thr1282Ser; replaces threonine 1282 with serine.
Molecular consequence: missense variant.
Genome position (GRCh38, 1-based): chr6:152,442,239, T>A on the plus strand (A>T on the coding strand, the complement: SYNE1 is on the minus strand). VCF-style: chr6-152442239-T-A. GRCh37 (hg19) VCF-style: chr6-152763374-T-A.
Other names: c.3865A>T, p.Thr1289Ser (NM_033071.5); short protein forms T1282S, T1289S.
Identifiers: ClinVar variation 3571712 (VCV003571712.1).

ClinVar aggregate classification (germline): Uncertain significance (1 of 4 stars; one submission).

Submission:

Athena Diagnostics
Classification: Uncertain significance. Last evaluated: 2024-07-17. Review status: criteria provided, single submitter. Criteria: Athena Diagnostics Criteria. Collection method: clinical testing. Allele origin: unknown.
Comment: Available data are insufficient to determine the clinical significance of the variant at this time. This variant has not been reported in large, multi-ethnic general populations. Polyphen and MutationTaster predict this amino acid change may be benign.